The following is an entry in ClinVar:

ClinVar aggregate classification (germline): Likely pathogenic. Review status: criteria provided, multiple submitters, no conflicts (2 of 4 stars). 2 submissions from 2 submitters: Likely pathogenic (2). Last evaluated 2024-10-16.

Conditions:
NLRP3-related disorder. Also called: NLRP3-Related Disorders; NLRP3-related condition.
Inborn genetic diseases. Identifiers: MedGen C0950123, MeSH D030342.

Submissions (2):

Ambry Genetics
Classification: Likely pathogenic for Inborn genetic diseases. Last evaluated: 2024-10-16. Review status: criteria provided, single submitter. Criteria: Ambry Variant Classification Scheme 2023. Collection method: clinical testing. Allele origin: germline.
Comment: The c.1712G>T (p.G571V) alteration is located in exon 3 (coding exon 3) of the NLRP3 gene. This alteration results from a G to T substitution at nucleotide position 1712, causing the glycine (G) at amino acid position 571 to be replaced by a valine (V). This variant was not reported in population-based cohorts in the Genome Aggregation Database (gnomAD). This variant was reported de novo in one individual with keratitis fugax hereditaria (Jatavallabhula, 2024). Two other alterations at the same codon, c.1711G>A (p.G571R) and c.1712G>C (p.G571A), have been reported in individuals with Cryopyrin-associated periodic syndrome or Muckle-Wells syndrome (Lainka, 2010; Theodoropoulou, 2020; Li, 2021; Zhou, 2022). This amino acid position is highly conserved in available vertebrate species. This alteration is predicted to be deleterious by in silico analysis. Based on the available evidence, this alteration is classified as likely pathogenic.

Blueprint Genetics
Classification: Likely pathogenic for NLRP3-related disorders. Last evaluated: 2021-09-25. Review status: criteria provided, single submitter. Criteria: ACMG Guidelines, 2015. Collection method: clinical testing. Allele origin: germline. Affected: yes. Observed: 1 variant allele.

Literature cited by the submitters: PubMed 21058222 (cited by Ambry Genetics); PubMed 31524846 (cited by Ambry Genetics); PubMed 32477355 (cited by Ambry Genetics); PubMed 35668534 (cited by Ambry Genetics); PubMed 37823852 (cited by Ambry Genetics).

NM_001243133.2(NLRP3):c.1706G>T (p.Gly569Val)

Gene: NLRP3 (NLR family pyrin domain containing 3; plus strand). Cytogenetic location: 1q44.
Variant type: single nucleotide variant.
Coding change: c.1706G>T on transcript NM_001243133.2 (MANE Select); coding-DNA position 1706, G replaced by T.
Protein change: p.Gly569Val; replaces glycine 569 with valine.
Molecular consequence: missense variant.
Genome position (GRCh38, 1-based): chr1:247,425,155, G>T. VCF-style: chr1-247425155-G-T. GRCh37 (hg19) VCF-style: chr1-247588457-G-T.
Other names: c.1706G>T, p.Gly569Val (NM_001079821.3, NM_001127461.3, NM_001127462.3 and 1 more transcripts); c.1712G>T, p.Gly571Val (NM_004895.5); short protein forms G571V, G569V.
Identifiers: ClinVar variation 3406171 (VCV003406171.2).